The following is an entry in ClinVar:

ClinVar aggregate classification (germline): Likely benign (1 of 4 stars; one submission).

Allele frequency attached by ClinVar (database versions not stated): gnomAD exomes below 0.00001; TOPMed below 0.00001; ExAC 0.00002.

Submission:

CeGaT Center for Human Genetics Tuebingen
Classification: Likely benign. Last evaluated: 2022-03-01. Review status: criteria provided, single submitter. Criteria: CeGaT Center For Human Genetics Tuebingen Variant Classification Criteria Version 2. Collection method: clinical testing. Allele origin: germline. Affected: yes. Observed: 1 variant allele.
Comment: MST1: BP4, BP7

NM_020998.4(MST1):c.1317T>C (p.Asp439=)

Gene: MST1 (macrophage stimulating 1; minus strand). Cytogenetic location: 3p21.31.
Variant type: single nucleotide variant.
Coding change: c.1317T>C on transcript NM_020998.4 (MANE Select); coding-DNA position 1317, T replaced by C.
Protein change: p.Asp439=; no amino-acid change (aspartic acid 439 retained).
Molecular consequence: synonymous variant. On other transcripts: missense variant (2), non-coding transcript variant (1).
Genome position (GRCh38, 1-based): chr3:49,685,666, A>G on the plus strand (T>C on the coding strand, the complement: MST1 is on the minus strand). VCF-style: chr3-49685666-A-G. GRCh37 (hg19) VCF-style: chr3-49723099-A-G.
Other names: c.1317T>C, p.Asp439= (NM_001393582.1); c.1187T>C, p.Ile396Thr (NM_001393583.1); c.1182T>C, p.Asp394= (NM_001393584.1); c.1017T>C, p.Asp339= (NM_001393585.1); c.1313T>C, p.Ile438Thr (NM_001393581.1); short protein forms I396T, I438T.
Identifiers: ClinVar variation 2653843 (VCV002653843.24), dbSNP rs746368594, ClinGen allele CA2402727.
Genomic context (GRCh38, chr3:49,685,666, plus strand): 5'-CAGGGCACAGTAGTCGAATGGGGTCCTTGGGTCCATCGTGTAGCACCAGGGCCCATGGCT[A>G]TCCCCATCTGGGTTCCGGCAGAAGTTCTCCTCCAGTTGTGCATGCGGTTCGGAGGTAAAC-3'
Protein context (NP_066278.3, residues 429-449): EENFCRNPDG[Asp439=]SHGPWCYTMD